The following is an entry in ClinVar:

NM_001033855.3(DCLRE1C):c.918-4T>C

Gene: DCLRE1C (DNA cross-link repair 1C; minus strand). Cytogenetic location: 10p13.
Variant type: single nucleotide variant.
Coding change: c.918-4T>C on transcript NM_001033855.3 (MANE Select); 4 bases into the intron before coding-DNA position 918, T replaced by C.
Molecular consequence: intron variant.
Genome position (GRCh38, 1-based): chr10:14,926,901, A>G on the plus strand (T>C on the coding strand, the complement: DCLRE1C is on the minus strand). VCF-style: chr10-14926901-A-G. GRCh37 (hg19) VCF-style: chr10-14968900-A-G.
Other names: c.573-4T>C (NM_001350966.2, NM_001289078.2, NM_001289076.2 and 1 more transcripts); c.918-4T>C (NM_001350965.2); c.558-4T>C (NM_001350967.2, NM_001289077.2, NM_001289079.2 and 2 more transcripts).
Identifiers: ClinVar variation 3053970 (VCV003053970.2), dbSNP rs2491922820, ClinGen allele CA2740092967.
Genomic context (GRCh38, chr10:14,926,901, plus strand): 5'-ACCTCACTGTAGGAGGAGTGAAAAGAAAAACAAGCTCTGTATGAACTCTCTCCAGTCCTA[A>G]AGGGAAGTGAAAACACAAAATAAAAAGATCACTGAGCAAAACTAAAACTAAGCAAAGCTG-3'

ClinVar aggregate classification (germline): Likely benign (0 of 4 stars; one submission).

Conditions:
DCLRE1C-related disorder. Also called: DCLRE1C-related condition.

Submission:

PreventionGenetics, part of Exact Sciences
Classification: Likely benign for DCLRE1C-related condition. Last evaluated: 2020-04-10. Review status: no assertion criteria provided. Collection method: clinical testing. Allele origin: germline.
Comment: This variant is classified as likely benign based on ACMG/AMP sequence variant interpretation guidelines (Richards et al. 2015 PMID: 25741868, with internal and published modifications).